The following is an entry in ClinVar:

ClinVar aggregate classification (germline): Uncertain significance (1 of 4 stars; one submission).

Conditions:
Arginine:glycine amidinotransferase deficiency (CCDS3). Also called: Creatine deficiency syndrome due to AGAT deficiency; GATM deficiency; AGAT deficiency; L-Arginine:Glycine Amidinotransferase Deficiency; L-Arginine:Glycine Amidinotransferase (AGAT) Deficiency; Cerebral creatine deficiency syndrome 3. Identifiers: Orphanet 35704, MedGen C2675179, MONDO:0012996, OMIM 612718.

gnomAD v4.1: 7 of 1,613,692 alleles (0.00043%); highest among the groups gnomAD compares: Non-Finnish European, 0.00059%; no homozygotes.

Submission:

Labcorp Genetics (formerly Invitae), Labcorp
Classification: Uncertain significance for Arginine:glycine amidinotransferase deficiency. Last evaluated: 2024-03-08. Review status: criteria provided, single submitter. Criteria: Invitae Variant Classification Sherloc (09022015). Collection method: clinical testing. Allele origin: germline.
Comment: This sequence change replaces tyrosine, which is neutral and polar, with cysteine, which is neutral and slightly polar, at codon 164 of the GATM protein (p.Tyr164Cys). This variant is not present in population databases (gnomAD no frequency). This variant has not been reported in the literature in individuals affected with GATM-related conditions. Advanced modeling of protein sequence and biophysical properties (such as structural, functional, and spatial information, amino acid conservation, physicochemical variation, residue mobility, and thermodynamic stability) performed at Invitae indicates that this missense variant is not expected to disrupt GATM protein function with a negative predictive value of 80%. In summary, the available evidence is currently insufficient to determine the role of this variant in disease. Therefore, it has been classified as a Variant of Uncertain Significance.

NM_001482.3(GATM):c.491A>G (p.Tyr164Cys)

Gene: GATM (glycine amidinotransferase; minus strand). Cytogenetic location: 15q21.1.
Variant type: single nucleotide variant.
Coding change: c.491A>G on transcript NM_001482.3 (MANE Select); coding-DNA position 491, A replaced by G.
Protein change: p.Tyr164Cys; replaces tyrosine 164 with cysteine.
Molecular consequence: missense variant.
Genome position (GRCh38, 1-based): chr15:45,368,254, T>C on the plus strand (A>G on the coding strand, the complement: GATM is on the minus strand). VCF-style: chr15-45368254-T-C. GRCh37 (hg19) VCF-style: chr15-45660452-T-C.
Other names: c.104A>G, p.Tyr35Cys (NM_001321015.2); short protein forms Y164C, Y35C.
Identifiers: ClinVar variation 3642950 (VCV003642950.2).
Genomic context (GRCh38, chr15:45,368,254, plus strand): 5'-ATGGGAGCCTCGATAATCTCATTGCCCACAACTATCAGGATGTCTCGAGGCATTGCACTG[T>C]ATAAACCTGTCAGACCAAAAAATTCCATGACAACTTCAGTAGTGTTAATTTCCAAGACAA-3'
Protein context (NP_001473.1, residues 154-174): KTPDFESTGL[Tyr164Cys]SAMPRDILIV